The following is an entry in ClinVar:

ClinVar aggregate classification (germline): Pathogenic (1 of 4 stars; one submission).

Submission:

Labcorp Genetics (formerly Invitae), Labcorp
Classification: Pathogenic. Last evaluated: 2023-07-14. Review status: criteria provided, single submitter. Criteria: Invitae Variant Classification Sherloc (09022015). Collection method: clinical testing. Allele origin: germline.
Comment: ClinVar contains an entry for this variant (Variation ID: 1453556). This variant has not been reported in the literature in individuals affected with DDX3X-related conditions. This variant is not present in population databases (gnomAD no frequency). This sequence change creates a premature translational stop signal (p.Thr553Argfs*18) in the DDX3X gene. It is expected to result in an absent or disrupted protein product. Loss-of-function variants in DDX3X are known to be pathogenic (PMID: 26235985). For these reasons, this variant has been classified as Pathogenic.

Literature cited by the submitters: PubMed 26235985.

NM_001356.5(DDX3X):c.1658_1661del (p.Thr553fs)

Gene: DDX3X (DEAD-box helicase 3 X-linked; plus strand). Cytogenetic location: Xp11.4.
Variant type: Deletion.
Coding change: c.1658_1661del on transcript NM_001356.5 (MANE Select); coding-DNA positions 1658 to 1661, 4 bases deleted (CTAA; older notation c.1658_1661delCTAA).
Protein change: p.Thr553fs; shifts the reading frame from threonine 553.
Molecular consequence: frameshift variant. On other transcripts: non-coding transcript variant (1).
Genome position (GRCh38, 1-based): chrX:41,346,901-41,346,904, CTAA deleted; deleting any 4 consecutive bases within chrX:41,346,900-41,346,904 gives the same sequence; the c. name uses the placement nearest the transcript's 3' end. VCF-style (leftmost placement, unchanged base first): chrX-41346899-TACTA-T. GRCh37 (hg19) VCF-style: chrX-41206152-TACTA-T.
Other names: c.1658_1661del, p.Thr553fs (NM_001193416.3); c.1610_1613del, p.Thr537fs (NM_001193417.3); c.1100_1103del, p.Thr367fs (NM_001363819.1); short protein forms T537fs, T553fs, T367fs.
Identifiers: ClinVar variation 1453556 (VCV001453556.6), dbSNP rs2147359985, ClinGen allele CA2573158705.